The following is an entry in ClinVar:

NM_001429.4(EP300):c.3003A>C (p.Lys1001Asn)

Genes: EP300 (EP300 lysine acetyltransferase; plus strand), LOC126863158 (BRD4-independent group 4 enhancer GRCh37_chr22:41547383-41548582; plus strand). Cytogenetic location: 22q13.2.
Variant type: single nucleotide variant.
Coding change: c.3003A>C on transcript NM_001429.4 (MANE Select); coding-DNA position 3003, A replaced by C.
Protein change: p.Lys1001Asn; replaces lysine 1001 with asparagine.
Molecular consequence: missense variant.
Genome position (GRCh38, 1-based): chr22:41,152,211, A>C. VCF-style: chr22-41152211-A-C. GRCh37 (hg19) VCF-style: chr22-41548215-A-C.
Other names: c.2925A>C, p.Lys975Asn (NM_001362843.2); c.3003A>C (NM_001429.3); short protein forms K1001N, K975N.
Identifiers: ClinVar variation 3611477 (VCV003611477.3).
Genomic context (GRCh38, chr22:41,152,211, plus strand): 5'-CTGATTCCCAACTAGATATCTTTGGAATACTAAAAATTCTTACGTTTTCTTTTAGTCTAA[A>C]GTGGAAGACTGTAAAATGGAATCTACCGAAACAGAAGAGAGAAGCACTGAGTTAAAAACT-3'
Protein context (NP_001420.2, residues 991-1011): DTQPEDISES[Lys1001Asn]VEDCKMESTE

ClinVar aggregate classification (germline): Conflicting classifications of pathogenicity. Review status: criteria provided, conflicting classifications (1 of 4 stars). 2 submissions from 2 submitters: Uncertain significance (1); Likely benign (1). Last evaluated 2026-02-19.

Conditions:
EP300-related disorder. Also called: EP300-related disorders; EP300-related condition.
Rubinstein-Taybi syndrome due to EP300 haploinsufficiency. Also called: EP300-Related Rubinstein-Taybi Syndrome; RUBINSTEIN-TAYBI SYNDROME 2. Identifiers: Orphanet 353284, Orphanet 783, MedGen C3150941, MONDO:0013364, OMIM 613684.

gnomAD v4.1: 3 of 1,614,000 alleles (0.00019%); highest among the groups gnomAD compares: Admixed American, 0.005%; no homozygotes.

Submissions (2):

PreventionGenetics, part of Exact Sciences
Classification: Uncertain significance for EP300-related condition. Last evaluated: 2026-02-19. Review status: criteria provided, single submitter. Criteria: ACMG Guidelines, 2015. Collection method: clinical testing. Allele origin: germline.
Comment: The EP300 c.3003A>C variant is predicted to result in the amino acid substitution p.Lys1001Asn. To our knowledge, this variant has not been reported in the literature. This variant is reported in 0.0058% of alleles in individuals of Latino descent in gnomAD. At this time, the clinical significance of this variant is uncertain due to the absence of conclusive functional and genetic evidence.

Labcorp Genetics (formerly Invitae), Labcorp
Classification: Likely benign for Rubinstein-Taybi syndrome due to EP300 haploinsufficiency. Last evaluated: 2025-02-03. Review status: criteria provided, single submitter. Criteria: Invitae Variant Classification Sherloc (09022015). Collection method: clinical testing. Allele origin: germline.